The following is an entry in ClinVar:

NM_002354.3(EPCAM):c.266A>G (p.Gln89Arg)

Gene: EPCAM (epithelial cell adhesion molecule; plus strand). Cytogenetic location: 2p21.
Variant type: single nucleotide variant.
Coding change: c.266A>G on transcript NM_002354.3 (MANE Select); coding-DNA position 266, A replaced by G.
Protein change: p.Gln89Arg; replaces glutamine 89 with arginine.
Molecular consequence: missense variant.
Genome position (GRCh38, 1-based): chr2:47,373,889, A>G. VCF-style: chr2-47373889-A-G. GRCh37 (hg19) VCF-style: chr2-47601028-A-G.
Other names: short protein forms Q89R.
Identifiers: ClinVar variation 3275831 (VCV003275831.1).
Genomic context (GRCh38, chr2:47,373,889, plus strand): 5'-TGAAGGCAGAAATGAATGGCTCAAAACTTGGGAGAAGAGCAAAACCTGAAGGGGCCCTCC[A>G]GAACAATGATGGGCTTTATGATCCTGACTGCGATGAGAGCGGGCTCTTTAAGGCCAAGCA-3'
Protein context (NP_002345.2, residues 79-99): GRRAKPEGAL[Gln89Arg]NNDGLYDPDC

ClinVar aggregate classification (germline): Uncertain significance (1 of 4 stars; one submission).

Conditions:
Hereditary cancer-predisposing syndrome. Also called: Tumor predisposition; Hereditary Cancer Syndrome; Hereditary neoplastic syndrome; Neoplastic Syndromes, Hereditary. Identifiers: Orphanet 140162, MedGen C0027672, MeSH D009386, MONDO:0015356.

Submission:

Ambry Genetics
Classification: Uncertain significance for Hereditary cancer-predisposing syndrome. Last evaluated: 2024-04-07. Review status: criteria provided, single submitter. Criteria: Ambry Variant Classification Scheme 2023. Collection method: clinical testing. Allele origin: germline.
Comment: The p.Q89R variant (also known as c.266A>G), located in coding exon 3 of the EPCAM gene, results from an A to G substitution at nucleotide position 266. The glutamine at codon 89 is replaced by arginine, an amino acid with highly similar properties. This amino acid position is conserved. In addition, this alteration is predicted to be tolerated by in silico analysis. Based on the available evidence, the clinical significance of this variant remains unclear.